The following is an entry in ClinVar:

NM_001098672.2(HEPHL1):c.3192G>A (p.Thr1064=)

Gene: HEPHL1 (hephaestin like 1; plus strand). Cytogenetic location: 11q21.
Variant type: single nucleotide variant.
Coding change: c.3192G>A on transcript NM_001098672.2 (MANE Select); coding-DNA position 3192, G replaced by A.
Protein change: p.Thr1064=; no amino-acid change (threonine 1064 retained).
Molecular consequence: synonymous variant.
Genome position (GRCh38, 1-based): chr11:94,111,049, G>A. VCF-style: chr11-94111049-G-A. GRCh37 (hg19) VCF-style: chr11-93844215-G-A.
Identifiers: ClinVar variation 2642294 (VCV002642294.24), dbSNP rs562897907, ClinGen allele CA476287920.

ClinVar aggregate classification (germline): Likely benign (1 of 4 stars; one submission).

gnomAD v4.1: 11 of 1,595,412 alleles (0.00069%); highest among the groups gnomAD compares: East Asian, 0.014%; 1 homozygote.

Submission:

CeGaT Center for Human Genetics Tuebingen
Classification: Likely benign. Last evaluated: 2023-01-01. Review status: criteria provided, single submitter. Criteria: CeGaT Center For Human Genetics Tuebingen Variant Classification Criteria Version 2. Collection method: clinical testing. Allele origin: germline. Affected: yes. Observed: 1 variant allele.
Comment: HEPHL1: BP4, BP7